The following is an entry in ClinVar:

NM_000038.6(APC):c.5480T>C (p.Leu1827Pro)

Gene: APC (APC regulator of Wnt signaling pathway; plus strand). Cytogenetic location: 5q22.2.
Variant type: single nucleotide variant.
Coding change: c.5480T>C on transcript NM_000038.6 (MANE Select); coding-DNA position 5480, T replaced by C.
Protein change: p.Leu1827Pro; replaces leucine 1827 with proline.
Molecular consequence: missense variant.
Genome position (GRCh38, 1-based): chr5:112,841,074, T>C. VCF-style: chr5-112841074-T-C. GRCh37 (hg19) VCF-style: chr5-112176771-T-C.
Other names: c.5480T>C, p.Leu1827Pro (NM_001127510.3, NM_001354895.2); c.5426T>C, p.Leu1809Pro (NM_001127511.3); c.5534T>C, p.Leu1845Pro (NM_001354896.2); c.5510T>C, p.Leu1837Pro (NM_001354897.2); c.5405T>C, p.Leu1802Pro (NM_001354898.2); c.5396T>C, p.Leu1799Pro (NM_001354899.2); c.5357T>C, p.Leu1786Pro (NM_001354900.2); c.5303T>C, p.Leu1768Pro (NM_001354901.2); and 5 more; short protein forms L1667P, L1701P, L1726P, L1786P, L1799P, L1845P, L1544P, L1736P.
Identifiers: ClinVar variation 926879 (VCV000926879.4), dbSNP rs1765961919, ClinGen allele CA16033323.

ClinVar aggregate classification (germline): Uncertain significance (1 of 4 stars; one submission).

Conditions:
Hereditary cancer-predisposing syndrome. Also called: Neoplastic Syndromes, Hereditary; Tumor predisposition; Hereditary Cancer Syndrome; Hereditary neoplastic syndrome. Identifiers: Orphanet 140162, MedGen C0027672, MeSH D009386, MONDO:0015356.

Submission:

Color Diagnostics, LLC DBA Color Health
Classification: Uncertain significance for Hereditary cancer-predisposing syndrome. Last evaluated: 2023-12-04. Review status: criteria provided, single submitter. Criteria: ACMG Guidelines, 2015. Collection method: clinical testing. Allele origin: germline.
Comment: This missense variant replaces leucine with proline at codon 1827 of the APC protein. Computational prediction suggests that this variant may not impact protein structure and function (internally defined REVEL score threshold <= 0.5, PMID: 27666373). To our knowledge, functional studies have not been reported for this variant. This variant has not been reported in individuals affected with APC-related disorders in the literature. This variant has not been identified in the general population by the Genome Aggregation Database (gnomAD). The available evidence is insufficient to determine the role of this variant in disease conclusively. Therefore, this variant is classified as a Variant of Uncertain Significance.